The following is an entry in ClinVar:

ClinVar aggregate classification (germline): Uncertain significance (1 of 4 stars; one submission).

Submission:

Labcorp Genetics (formerly Invitae), Labcorp
Classification: Uncertain significance. Last evaluated: 2024-03-15. Review status: criteria provided, single submitter. Criteria: Invitae Variant Classification Sherloc (09022015). Collection method: clinical testing. Allele origin: germline.
Comment: This sequence change replaces glycine, which is neutral and non-polar, with arginine, which is basic and polar, at codon 180 of the EGF protein (p.Gly180Arg). This variant is not present in population databases (gnomAD no frequency). This variant has not been reported in the literature in individuals affected with EGF-related conditions. An algorithm developed to predict the effect of missense changes on protein structure and function (PolyPhen-2) suggests that this variant is likely to be disruptive. In summary, the available evidence is currently insufficient to determine the role of this variant in disease. Therefore, it has been classified as a Variant of Uncertain Significance.

NM_001963.6(EGF):c.538G>A (p.Gly180Arg)

Gene: EGF (epidermal growth factor; plus strand). Cytogenetic location: 4q25.
Variant type: single nucleotide variant.
Coding change: c.538G>A on transcript NM_001963.6 (MANE Select); coding-DNA position 538, G replaced by A.
Protein change: p.Gly180Arg; replaces glycine 180 with arginine.
Molecular consequence: missense variant.
Genome position (GRCh38, 1-based): chr4:109,943,870, G>A. VCF-style: chr4-109943870-G-A. GRCh37 (hg19) VCF-style: chr4-110865026-G-A.
Other names: c.538G>A, p.Gly180Arg (NM_001178130.3, NM_001178131.3, NM_001357021.2); short protein forms G180R.
Identifiers: ClinVar variation 3639594 (VCV003639594.2).